The following is an entry in ClinVar:

ClinVar aggregate classification (germline): Benign (1 of 4 stars; one submission).

Conditions:
Oculotrichoanal syndrome (MOTA). Also called: MARLES SYNDROME; Manitoba Oculotrichoanal (MOTA) Syndrome. Identifiers: Orphanet 2717, MedGen C1855425, MONDO:0009560, OMIM 248450.

Allele frequency attached by ClinVar (database versions not stated): 1000 Genomes Project 30x 0.00671; gnomAD exomes 0.00179; TOPMed 0.00780; gnomAD 0.00698 and 0.00749; 1000 Genomes Project 0.00599.

Submission:

Illumina Laboratory Services, Illumina
Classification: Benign for Oculotrichoanal syndrome. Last evaluated: 2018-01-13. Review status: criteria provided, single submitter. Criteria: ICSL Variant Classification Criteria 13 December 2019. Collection method: clinical testing. Allele origin: germline.
Comment: This variant was observed in the ICSL laboratory as part of a predisposition screen in an ostensibly healthy population. It had not been previously curated by ICSL or reported in the Human Gene Mutation Database (HGMD: prior to June 1st, 2018), and was therefore a candidate for classification through an automated scoring system. Utilizing variant allele frequency, disease prevalence and penetrance estimates, and inheritance mode, an automated score was calculated to assess if this variant is too frequent to cause the disease. Based on the score and internal cut-off values, a variant classified as benign is not then subjected to further curation. The score for this variant resulted in a classification of benign for this disease.

NM_144966.5(FREM1):c.*389T>C

Gene: FREM1 (FRAS1 related extracellular matrix 1; minus strand). Cytogenetic location: 9p22.3.
Variant type: single nucleotide variant.
Coding change: c.*389T>C on transcript NM_144966.5; 389 bases downstream of the stop codon, T replaced by C.
Genome position (GRCh38, 1-based): chr9:14,737,007, A>G on the plus strand (T>C on the coding strand, the complement: FREM1 is on the minus strand). VCF-style: chr9-14737007-A-G. GRCh37 (hg19) VCF-style: chr9-14737005-A-G.
Identifiers: ClinVar variation 366092 (VCV000366092.7), dbSNP rs73411798, ClinGen allele CA10633452.